The following is an entry in ClinVar:

NM_001164508.2(NEB):c.19732-5G>A

Gene: NEB (nebulin; minus strand). Cytogenetic location: 2q23.3.
Variant type: single nucleotide variant.
Coding change: c.19732-5G>A on transcript NM_001164508.2 (MANE Select); 5 bases into the intron before coding-DNA position 19732, G replaced by A.
Molecular consequence: intron variant.
Genome position (GRCh38, 1-based): chr2:151,552,781, C>T on the plus strand (G>A on the coding strand, the complement: NEB is on the minus strand). VCF-style: chr2-151552781-C-T. GRCh37 (hg19) VCF-style: chr2-152409295-C-T.
Other names: c.14629-5G>A (NM_004543.5); c.19732-5G>A (NM_001164507.2, NM_001271208.2).
Identifiers: ClinVar variation 941096 (VCV000941096.10), dbSNP rs779841022, ClinGen allele CA1907543.
Genomic context (GRCh38, chr2:151,552,781, plus strand): 5'-TCTGTGACAAGCTTGTAGTCATTCCTTGTTTTCAACATGTGAGCTTTATACTTGATCTGC[C>T]GAGAGGAAGAAAACAAGCCCATGTTGGACCATTCCTTATGCTTGAAACTGCTGGTTTTCA-3'

ClinVar aggregate classification (germline): Uncertain significance. Review status: criteria provided, single submitter (1 of 4 stars). 2 submissions from 2 submitters: Uncertain significance (1). 1 of the submissions does not count toward it. Last evaluated 2022-03-09.

Conditions:
Nemaline myopathy 2 (NEM2). Also called: Nemaline myopathy 2, autosomal recessive. Identifiers: MedGen C1850569, MONDO:0009725, OMIM 256030.

Allele frequency attached by ClinVar (database versions not stated): gnomAD 0.00001; gnomAD exomes 0.00001; ExAC 0.00002.
gnomAD v4.1: 19 of 1,605,052 alleles (0.0012%); highest among the groups gnomAD compares: South Asian, 0.0056%; no homozygotes.

Submissions (2):

Labcorp Genetics (formerly Invitae), Labcorp
Classification: Uncertain significance for Nemaline myopathy 2. Last evaluated: 2022-03-09. Review status: criteria provided, single submitter. Criteria: Invitae Variant Classification Sherloc (09022015). Collection method: clinical testing. Allele origin: germline.
Comment: This sequence change falls in intron 127 of the NEB gene. It does not directly change the encoded amino acid sequence of the NEB protein. The frequency data for this variant in the population databases is considered unreliable, as metrics indicate poor data quality at this position in the gnomAD database. This variant has not been reported in the literature in individuals affected with NEB-related conditions. ClinVar contains an entry for this variant (Variation ID: 941096). Algorithms developed to predict the effect of sequence changes on RNA splicing suggest that this variant may create or strengthen a splice site. In summary, the available evidence is currently insufficient to determine the role of this variant in disease. Therefore, it has been classified as a Variant of Uncertain Significance.

Natera, Inc.
Classification: Uncertain significance for Nemaline myopathy type 2. Last evaluated: 2020-05-19. Review status: no assertion criteria provided. Collection method: clinical testing. Allele origin: germline. Not counted in ClinVar's aggregate classification.